The following is an entry in ClinVar:

NM_025243.4(SLC19A3):c.961G>A (p.Ala321Thr)

Gene: SLC19A3 (solute carrier family 19 member 3; minus strand). Cytogenetic location: 2q36.3.
Variant type: single nucleotide variant.
Coding change: c.961G>A on transcript NM_025243.4 (MANE Select); coding-DNA position 961, G replaced by A.
Protein change: p.Ala321Thr; replaces alanine 321 with threonine.
Molecular consequence: missense variant.
Genome position (GRCh38, 1-based): chr2:227,698,754, C>T on the plus strand (G>A on the coding strand, the complement: SLC19A3 is on the minus strand). VCF-style: chr2-227698754-C-T. GRCh37 (hg19) VCF-style: chr2-228563470-C-T.
Other names: c.961G>A, p.Ala321Thr (NM_001371411.1, NM_001371412.1); c.949G>A, p.Ala317Thr (NM_001371413.1, NM_001371414.1); short protein forms A317T, A321T.
Identifiers: ClinVar variation 1388151 (VCV001388151.8), dbSNP rs2106328516, ClinGen allele CA350876086.

ClinVar aggregate classification (germline): Uncertain significance (1 of 4 stars; one submission).

Conditions:
Biotin-responsive basal ganglia disease (BTBGD). Also called: THIAMINE METABOLISM DYSFUNCTION SYNDROME 2 (BIOTIN- AND THIAMINE-RESPONSIVE TYPE); Thiamine Transporter-2 Deficiency; Thiamine metabolism dysfunction syndrome 2 (biotin- or thiamine-responsive encephalopathy type 2); thiamine-responsive encephalopathy; Thiamine metabolism dysfunction syndrome type 2. Identifiers: Orphanet 199348, Orphanet 65284, MedGen C1843807, MONDO:0011841, OMIM 607483.

Submission:

Labcorp Genetics (formerly Invitae), Labcorp
Classification: Uncertain significance for Biotin-responsive basal ganglia disease. Last evaluated: 2023-10-13. Review status: criteria provided, single submitter. Criteria: Invitae Variant Classification Sherloc (09022015). Collection method: clinical testing. Allele origin: germline.
Comment: This sequence change replaces alanine, which is neutral and non-polar, with threonine, which is neutral and polar, at codon 321 of the SLC19A3 protein (p.Ala321Thr). This variant is not present in population databases (gnomAD no frequency). This variant has not been reported in the literature in individuals affected with SLC19A3-related conditions. ClinVar contains an entry for this variant (Variation ID: 1388151). Advanced modeling of protein sequence and biophysical properties (such as structural, functional, and spatial information, amino acid conservation, physicochemical variation, residue mobility, and thermodynamic stability) performed at Invitae indicates that this missense variant is not expected to disrupt SLC19A3 protein function. This variant disrupts the p.Ala321 amino acid residue in SLC19A3. Other variant(s) that disrupt this residue have been determined to be pathogenic (PMID: 32679198, 34276785). This suggests that this residue is clinically significant, and that variants that disrupt this residue are likely to be disease-causing. In summary, the available evidence is currently insufficient to determine the role of this variant in disease. Therefore, it has been classified as a Variant of Uncertain Significance.

Literature cited by the submitters: PubMed 32679198; PubMed 34276785.